The following is an entry in ClinVar:

NM_001364905.1(LRBA):c.3789C>A (p.Asn1263Lys)

Gene: LRBA (LPS responsive beige-like anchor protein; minus strand). Cytogenetic location: 4q31.3.
Variant type: single nucleotide variant.
Coding change: c.3789C>A on transcript NM_001364905.1 (MANE Select); coding-DNA position 3789, C replaced by A.
Protein change: p.Asn1263Lys; replaces asparagine 1263 with lysine.
Molecular consequence: missense variant.
Genome position (GRCh38, 1-based): chr4:150,851,921, G>T on the plus strand (C>A on the coding strand, the complement: LRBA is on the minus strand). VCF-style: chr4-150851921-G-T. GRCh37 (hg19) VCF-style: chr4-151773073-G-T.
Other names: c.3789C>A, p.Asn1263Lys (NM_001199282.3, NM_001367550.1, NM_006726.5); short protein forms N1263K.
Identifiers: ClinVar variation 1041006 (VCV001041006.11), dbSNP rs150689413, ClinGen allele CA3102989.
Genomic context (GRCh38, chr4:150,851,921, plus strand): 5'-GAATAAGACAATATATAAAATCACCTCAAGCACATGTCGATGAGGTTGAGGTGCTTCCAC[G>T]TTGGGACTGGCCTTCAACTCCAGCCTCTCAGTATCTGTAGCAACATTGGAAACATCCAAC-3'
Protein context (NP_001351834.1, residues 1253-1273): TERLELKASP[Asn1263Lys]VEAPQPHRHV

ClinVar aggregate classification (germline): Uncertain significance. Review status: criteria provided, multiple submitters, no conflicts (2 of 4 stars). 4 submissions from 4 submitters: Uncertain significance (4). Last evaluated 2025-12-01.

Conditions:
Inborn genetic diseases. Identifiers: MedGen C0950123, MeSH D030342.
Combined immunodeficiency due to LRBA deficiency. Also called: Common variable immunodeficiency 8, with autoimmunity. Identifiers: Orphanet 445018, MedGen C3553512, MONDO:0013863, OMIM 614700.

Allele frequency attached by ClinVar (database versions not stated): TOPMed 0.00002.
gnomAD v4.1: 33 of 1,613,706 alleles (0.002%); highest among the groups gnomAD compares: Admixed American, 0.005%; no homozygotes.

Submissions (4):

Laboratorio de Genetica e Diagnostico Molecular, Hospital Israelita Albert Einstein
Classification: Uncertain significance for Combined immunodeficiency due to LRBA deficiency. Last evaluated: 2025-12-01. Review status: criteria provided, single submitter. Criteria: ACMG Guidelines, 2015. Collection method: clinical testing. Allele origin: germline. Affected: yes.
Comment: ACMG classification criteria: PM2 supporting, BP4 supporting

Ambry Genetics
Classification: Uncertain significance for Inborn genetic diseases. Last evaluated: 2025-08-10. Review status: criteria provided, single submitter. Criteria: Ambry Variant Classification Scheme 2023. Collection method: clinical testing. Allele origin: germline.

Labcorp Genetics (formerly Invitae), Labcorp
Classification: Uncertain significance for Combined immunodeficiency due to LRBA deficiency. Last evaluated: 2024-10-30. Review status: criteria provided, single submitter. Criteria: Invitae Variant Classification Sherloc (09022015). Collection method: clinical testing. Allele origin: germline.
Comment: This sequence change replaces asparagine, which is neutral and polar, with lysine, which is basic and polar, at codon 1263 of the LRBA protein (p.Asn1263Lys). The frequency data for this variant in the population databases is considered unreliable, as metrics indicate poor data quality at this position in the gnomAD database. This variant has not been reported in the literature in individuals affected with LRBA-related conditions. ClinVar contains an entry for this variant (Variation ID: 1041006). An algorithm developed to predict the effect of missense changes on protein structure and function (PolyPhen-2) suggests that this variant is likely to be tolerated. In summary, the available evidence is currently insufficient to determine the role of this variant in disease. Therefore, it has been classified as a Variant of Uncertain Significance.

Blueprint Genetics
Classification: Uncertain significance. Last evaluated: 2022-08-08. Review status: criteria provided, single submitter. Criteria: ACMG Guidelines, 2015. Collection method: clinical testing. Allele origin: germline.